The following is an entry in ClinVar:

NM_004387.4(NKX2-5):c.182C>G (p.Ala61Gly)

Gene: NKX2-5 (NK2 homeobox 5; minus strand). Cytogenetic location: 5q35.1.
Variant type: single nucleotide variant.
Coding change: c.182C>G on transcript NM_004387.4 (MANE Select); coding-DNA position 182, C replaced by G.
Protein change: p.Ala61Gly; replaces alanine 61 with glycine.
Molecular consequence: missense variant.
Genome position (GRCh38, 1-based): chr5:173,234,902, G>C on the plus strand (C>G on the coding strand, the complement: NKX2-5 is on the minus strand). VCF-style: chr5-173234902-G-C. GRCh37 (hg19) VCF-style: chr5-172661905-G-C.
Other names: c.182C>G, p.Ala61Gly (NM_001166175.2, NM_001166176.2); short protein forms A61G.
Identifiers: ClinVar variation 219170 (VCV000219170.2), dbSNP rs864321650, ClinGen allele CA279938.

ClinVar aggregate classification (germline): Pathogenic (0 of 4 stars; one submission).

Conditions:
Congenital heart disease (CHD). Identifiers: MedGen C0152021, MONDO:0005453. Disease mechanism: unknown.

Submission:

Cytogenetics- Mohapatra Lab, Banaras Hindu University
Classification: Pathogenic for Congenital heart disease. Last evaluated: 2013-04-24. Review status: no assertion criteria provided. Collection method: case-control. Allele origin: unknown. Affected: yes. Observed: 1 variant allele.
Comment: Ventricular septal defect with coarctation of aorta